The following is an entry in ClinVar:

ClinVar aggregate classification (germline): VUS-mid (1 of 4 stars; one submission).

Conditions:
Retinal capillary hemangioma. Also called: Retinal hemangioblastoma. Identifiers: MedGen C0730303, MONDO:0003343, HP:0009711.

Submission:

Department of Medical Genetics and Molecular Biology, School of Medicine, Iran University of Medical Sciences
Classification: VUS-mid for Retinal capillary hemangioma. Last evaluated: 2026-05-17. Review status: criteria provided, single submitter. Criteria: ACMG Guidelines, 2015. Collection method: research. Allele origin: germline. Inheritance: Autosomal dominant inheritance. Affected: yes. Observed: 1 variant allele, 1 heterozygote.
Comment: KMT5A encodes a histone methyltransferase involved in H4K20 monomethylation and epigenetic regulation. Altered epigenetic regulation may represent a possible non-VHL mechanism contributing to disease pathogenesis. However, KMT5A is not currently an established disease-associated gene for retinal capillary hemangioma, and available evidence is insufficient to establish causality. Therefore, this variant is currently classified as a variant of uncertain significance.

NM_020382.7(KMT5A):c.995T>C (p.Leu332Pro)

Gene: KMT5A (lysine methyltransferase 5A; plus strand). Cytogenetic location: 12q24.31.
Variant type: single nucleotide variant.
Coding change: c.995T>C on transcript NM_020382.7 (MANE Select); coding-DNA position 995, T replaced by C.
Protein change: p.Leu332Pro; replaces leucine 332 with proline.
Molecular consequence: missense variant. On other transcripts: non-coding transcript variant (1).
Genome position (GRCh38, 1-based): chr12:123,407,639, T>C. VCF-style: chr12-123407639-T-C. GRCh37 (hg19) VCF-style: chr12-123892186-T-C.
Other names: c.905T>C, p.Leu302Pro (NM_001324504.2); c.824T>C, p.Leu275Pro (NM_001324505.2); c.671T>C, p.Leu224Pro (NM_001324506.2, NM_001367389.2); c.977T>C, p.Leu326Pro (NM_001367386.2); c.884T>C, p.Leu295Pro (NM_001367388.2); short protein forms L224P, L275P, L295P, L302P, L326P, L332P.
Identifiers: ClinVar variation 4850982 (VCV004850982.1).